The following is an entry in ClinVar:

NM_001349253.2(SCN11A):c.713-3C>T

Gene: SCN11A (sodium voltage-gated channel alpha subunit 11; minus strand). Cytogenetic location: 3p22.2.
Variant type: single nucleotide variant.
Coding change: c.713-3C>T on transcript NM_001349253.2 (MANE Select); 3 bases into the intron before coding-DNA position 713, C replaced by T.
Molecular consequence: intron variant.
Genome position (GRCh38, 1-based): chr3:38,921,258, G>A on the plus strand (C>T on the coding strand, the complement: SCN11A is on the minus strand). VCF-style: chr3-38921258-G-A. GRCh37 (hg19) VCF-style: chr3-38962749-G-A.
Other names: c.713-3C>T (NM_014139.3).
Identifiers: ClinVar variation 2180425 (VCV002180425.4), dbSNP rs2470632442, ClinGen allele CA2580069797.

ClinVar aggregate classification (germline): Uncertain significance (1 of 4 stars; one submission).

Conditions:
Hereditary sensory and autonomic neuropathy type 7. Also called: HSAN VII; Neuropathy, hereditary sensory and autonomic, type VII. Identifiers: Orphanet 391397, MedGen C3809882, MONDO:0014244, OMIM 615548.
Familial episodic pain syndrome with predominantly lower limb involvement. Also called: Episodic pain syndrome, familial, 3. Identifiers: Orphanet 391384, Orphanet 391392, MedGen C3809899, MONDO:0014247, OMIM 615552.

Submission:

Labcorp Genetics (formerly Invitae), Labcorp
Classification: Uncertain significance for Familial episodic pain syndrome with predominantly lower limb involvement; Hereditary sensory and autonomic neuropathy type 7. Last evaluated: 2022-04-15. Review status: criteria provided, single submitter. Criteria: Invitae Variant Classification Sherloc (09022015). Collection method: clinical testing. Allele origin: germline.
Comment: This sequence change falls in intron 5 of the SCN11A gene. It does not directly change the encoded amino acid sequence of the SCN11A protein. It affects a nucleotide within the consensus splice site. This variant is not present in population databases (gnomAD no frequency). This variant has not been reported in the literature in individuals affected with SCN11A-related conditions. Variants that disrupt the consensus splice site are a relatively common cause of aberrant splicing (PMID: 17576681, 9536098). Algorithms developed to predict the effect of sequence changes on RNA splicing suggest that this variant is not likely to affect RNA splicing. In summary, the available evidence is currently insufficient to determine the role of this variant in disease. Therefore, it has been classified as a Variant of Uncertain Significance.

Literature cited by the submitters: PubMed 17576681; PubMed 9536098.